The following is an entry in ClinVar:

NM_024408.4(NOTCH2):c.1238C>T (p.Thr413Ile)

Gene: NOTCH2 (notch receptor 2; minus strand). Cytogenetic location: 1p12.
Variant type: single nucleotide variant.
Coding change: c.1238C>T on transcript NM_024408.4 (MANE Select); coding-DNA position 1238, C replaced by T.
Protein change: p.Thr413Ile; replaces threonine 413 with isoleucine.
Molecular consequence: missense variant.
Genome position (GRCh38, 1-based): chr1:119,968,103, G>A on the plus strand (C>T on the coding strand, the complement: NOTCH2 is on the minus strand). VCF-style: chr1-119968103-G-A. GRCh37 (hg19) VCF-style: chr1-120510726-G-A.
Other names: p.Thr413Ile; c.1238C>T (NM_024408.3); c.1238C>T, p.Thr413Ile (NM_001200001.2); short protein forms T413I.
Identifiers: ClinVar variation 2682656 (VCV002682656.2), dbSNP rs1651216252, ClinGen allele CA341880546.

ClinVar aggregate classification (germline): Uncertain significance. Review status: criteria provided, multiple submitters, no conflicts (2 of 4 stars). 2 submissions from 2 submitters: Uncertain significance (2). Last evaluated 2025-10-18.

Conditions:
Inborn genetic diseases. Identifiers: MedGen C0950123, MeSH D030342.

Submissions (2):

Ambry Genetics
Classification: Uncertain significance for Inborn genetic diseases. Last evaluated: 2025-10-18. Review status: criteria provided, single submitter. Criteria: Ambry Variant Classification Scheme 2023. Collection method: clinical testing. Allele origin: germline.

Mayo Clinic Laboratories, Mayo Clinic
Classification: Uncertain significance. Last evaluated: 2022-07-22. Review status: criteria provided, single submitter. Criteria: ACMG Guidelines, 2015. Collection method: clinical testing. Allele origin: germline. Observed: 2 variant alleles.
Comment: PM2